The following is an entry in ClinVar:

NM_015378.4(VPS13D):c.1749A>C (p.Ser583=)

Gene: VPS13D (vacuolar protein sorting 13 homolog D; plus strand). Cytogenetic location: 1p36.22.
Variant type: single nucleotide variant.
Coding change: c.1749A>C on transcript NM_015378.4 (MANE Select); coding-DNA position 1749, A replaced by C.
Protein change: p.Ser583=; no amino-acid change (serine 583 retained).
Molecular consequence: synonymous variant.
Genome position (GRCh38, 1-based): chr1:12,267,868, A>C. VCF-style: chr1-12267868-A-C. GRCh37 (hg19) VCF-style: chr1-12327925-A-C.
Other names: c.1749A>C, p.Ser583= (NM_018156.4).
Identifiers: ClinVar variation 1298407 (VCV001298407.35), dbSNP rs370409739, ClinGen allele CA601618.

ClinVar aggregate classification (germline): Likely benign (1 of 4 stars; one submission).

Allele frequency attached by ClinVar (database versions not stated): ExAC 0.00004; gnomAD exomes 0.00006 and 0.00014; ESP Exome Variant Server 0.00008; TOPMed 0.00012; gnomAD 0.00015 and 0.00016.
gnomAD v4.1: 247 of 1,614,072 alleles (0.015%); highest among the groups gnomAD compares: Non-Finnish European, 0.019%; no homozygotes.

Submission:

CeGaT Center for Human Genetics Tuebingen
Classification: Likely benign. Last evaluated: 2024-03-01. Review status: criteria provided, single submitter. Criteria: CeGaT Center For Human Genetics Tuebingen Variant Classification Criteria Version 2. Collection method: clinical testing. Allele origin: germline. Affected: yes. Observed: 2 variant alleles.
Comment: VPS13D: BP4, BP7